The following is an entry in ClinVar:

ClinVar aggregate classification (germline): Likely benign (1 of 4 stars; one submission).

gnomAD v4.1: 30 of 1,611,320 alleles (0.0019%); highest among the groups gnomAD compares: African/African-American, 0.004%; no homozygotes.

Submission:

CeGaT Center for Human Genetics Tuebingen
Classification: Likely benign. Last evaluated: 2026-02-01. Review status: criteria provided, single submitter. Criteria: CeGaT Center For Human Genetics Tuebingen Variant Classification Criteria Version 2. Collection method: clinical testing. Allele origin: germline. Affected: yes. Observed: 1 variant allele.
Comment: USP25: BP4, BP7

NM_001283041.3(USP25):c.3039C>T (p.Phe1013=)

Gene: USP25 (ubiquitin specific peptidase 25; plus strand). Cytogenetic location: 21q21.1.
Variant type: single nucleotide variant.
Coding change: c.3039C>T on transcript NM_001283041.3 (MANE Select); coding-DNA position 3039, C replaced by T.
Protein change: p.Phe1013=; no amino-acid change (phenylalanine 1013 retained).
Molecular consequence: synonymous variant.
Genome position (GRCh38, 1-based): chr21:15,877,825, C>T. VCF-style: chr21-15877825-C-T. GRCh37 (hg19) VCF-style: chr21-17250144-C-T.
Other names: c.2925C>T, p.Phe975= (NM_001283042.3); c.2166C>T, p.Phe722= (NM_001352560.2, NM_001388299.1); c.1617C>T, p.Phe539= (NM_001352561.2, NM_001388300.1, NM_001388301.1); c.1608C>T, p.Phe536= (NM_001388302.1); c.2829C>T, p.Phe943= (NM_013396.6).
Identifiers: ClinVar variation 4821805 (VCV004821805.4).